The following is an entry in ClinVar:

NM_005142.3(CBLIF):c.829G>C (p.Gly277Arg)

Gene: CBLIF (cobalamin binding intrinsic factor; minus strand). Cytogenetic location: 11q12.1.
Variant type: single nucleotide variant.
Coding change: c.829G>C on transcript NM_005142.3 (MANE Select); coding-DNA position 829, G replaced by C.
Protein change: p.Gly277Arg; replaces glycine 277 with arginine.
Molecular consequence: missense variant.
Genome position (GRCh38, 1-based): chr11:59,837,216, C>G on the plus strand (G>C on the coding strand, the complement: CBLIF is on the minus strand). VCF-style: chr11-59837216-C-G. GRCh37 (hg19) VCF-style: chr11-59604689-C-G.
Other names: short protein forms G277R.
Identifiers: ClinVar variation 660115 (VCV000660115.49), dbSNP rs138504371, ClinGen allele CA6021474.

ClinVar aggregate classification (germline): Conflicting classifications of pathogenicity. Review status: criteria provided, conflicting classifications (1 of 4 stars). 4 submissions from 4 submitters: Uncertain significance (2); Likely benign (2). Last evaluated 2025-07-29.

Conditions:
CBLIF-related disorder. Also called: CBLIF-related condition.
Hereditary intrinsic factor deficiency (IFD). Also called: PERNICIOUS ANEMIA, CONGENITAL, DUE TO DEFECT OF INTRINSIC FACTOR; Congenital intrinsic factor deficiency. Identifiers: Orphanet 332, MedGen C2062370, MONDO:0009852, OMIM 261000.

Allele frequency attached by ClinVar (database versions not stated): gnomAD 0.00008; TOPMed 0.00016; gnomAD exomes 0.00017 and 0.00025; ExAC 0.00025; ESP Exome Variant Server 0.00038.

Submissions (4):

Labcorp Genetics (formerly Invitae), Labcorp
Classification: Likely benign for Hereditary intrinsic factor deficiency. Last evaluated: 2025-07-29. Review status: criteria provided, single submitter. Criteria: Invitae Variant Classification Sherloc (09022015). Collection method: clinical testing. Allele origin: germline.

PreventionGenetics, part of Exact Sciences
Classification: Likely benign for CBLIF-related condition. Last evaluated: 2024-11-12. Review status: criteria provided, single submitter. Criteria: ACMG Guidelines, 2015. Collection method: clinical testing. Allele origin: germline.
Comment: This variant is classified as likely benign based on ACMG/AMP sequence variant interpretation guidelines (Richards et al. 2015 PMID: 25741868, with internal and published modifications).

Ambry Genetics
Classification: Uncertain significance. Last evaluated: 2021-10-21. Review status: criteria provided, single submitter. Criteria: Ambry Variant Classification Scheme 2023. Collection method: clinical testing. Allele origin: germline.

CeGaT Center for Human Genetics Tuebingen
Classification: Uncertain significance. Last evaluated: 2019-06-01. Review status: criteria provided, single submitter. Criteria: CeGaT Center For Human Genetics Tuebingen Variant Classification Criteria Version 2. Collection method: clinical testing. Allele origin: germline. Affected: yes. Observed: 1 variant allele.